The following is an entry in ClinVar:

ClinVar aggregate classification (germline): Uncertain significance (1 of 4 stars; one submission).

Conditions:
Chuvash polycythemia. Also called: POLYCYTHEMIA, VHL-DEPENDENT. Identifiers: Orphanet 238557, MedGen C1837915, MONDO:0009892, OMIM 263400.
Von Hippel-Lindau syndrome (VHLS). Also called: von Hippel–Lindau syndrome; VHL syndrome; Von Hippel-Lindau. Identifiers: Orphanet 892, MedGen C0019562, MONDO:0008667, OMIM 193300. Disease mechanism: loss of function.

Submission:

Labcorp Genetics (formerly Invitae), Labcorp
Classification: Uncertain significance for Von Hippel-Lindau syndrome; Chuvash polycythemia. Last evaluated: 2025-08-06. Review status: criteria provided, single submitter. Criteria: Invitae Variant Classification Sherloc (09022015). Collection method: clinical testing. Allele origin: germline.
Comment: This sequence change falls in intron 1 of the VHL gene. It is not expected to change the encoded amino acid sequence of the VHL protein. However, this sequence change falls within a cryptic exon in the VHL gene, known as exon E1’, which is naturally expressed at low levels in several human tissues (PMID: 29891534). This variant is not present in population databases (gnomAD no frequency). This variant has not been reported in the literature in individuals affected with VHL-related conditions. Algorithms developed to predict the effect of sequence changes on RNA splicing suggest that this variant is not likely to affect RNA splicing. In summary, the available evidence is currently insufficient to determine the role of this variant in disease. Therefore, it has been classified as a Variant of Uncertain Significance.

Literature cited by the submitters: PubMed 29891534.

NM_000551.4(VHL):c.340+753G>T

Genes: VHL (von Hippel-Lindau tumor suppressor; plus strand), LOC107303340 (3p25 von Hippel-Lindau tumor suppressor, E3 ubiquitin protein ligase Alu-mediated recombination region; plus strand). Cytogenetic location: 3p25.3.
Variant type: single nucleotide variant.
Coding change: c.340+753G>T on transcript NM_000551.4 (MANE Select); 753 bases into the intron after coding-DNA position 340, G replaced by T.
Molecular consequence: intron variant. On other transcripts: missense variant (1), non-coding transcript variant (1).
Genome position (GRCh38, 1-based): chr3:10,142,940, G>T. VCF-style: chr3-10142940-G-T. GRCh37 (hg19) VCF-style: chr3-10184624-G-T.
Other names: c.518G>T, p.Gly173Val (NM_001354723.2); c.340+753G>T (NM_198156.3); short protein forms G173V.
Identifiers: ClinVar variation 4793784 (VCV004793784.1).